The following is an entry in ClinVar:

NM_000369.5(TSHR):c.184A>G (p.Thr62Ala)

Genes: TSHR (thyroid stimulating hormone receptor; plus strand), TSHR-AS1 (TSHR antisense RNA 1; minus strand). Cytogenetic location: 14q31.1.
Variant type: single nucleotide variant.
Coding change: c.184A>G on transcript NM_000369.5 (MANE Select); coding-DNA position 184, A replaced by G.
Protein change: p.Thr62Ala; replaces threonine 62 with alanine.
Molecular consequence: missense variant.
Genome position (GRCh38, 1-based): chr14:81,062,161, A>G. VCF-style: chr14-81062161-A-G. GRCh37 (hg19) VCF-style: chr14-81528505-A-G.
Other names: c.184A>G, p.Thr62Ala (NM_001018036.3, NM_001142626.3); short protein forms T62A.
Identifiers: ClinVar variation 3385232 (VCV003385232.1).
Genomic context (GRCh38, chr14:81,062,161, plus strand): 5'-AAAGCCCAATGATTAAAACTCTAATTATGTAACTGTTATTTTCACAGGAAGCTTATTGAG[A>G]CTCACCTGAGAACTATTCCAAGTCATGCATTTTCTAATCTGCCCAATATTTCCAGAATGT-3'
Protein context (NP_000360.2, residues 52-72): PSTQTLKLIE[Thr62Ala]HLRTIPSHAF

ClinVar aggregate classification (germline): Uncertain significance (1 of 4 stars; one submission).

Submission:

Women's Health and Genetics/Laboratory Corporation of America, LabCorp
Classification: Uncertain significance. Last evaluated: 2024-10-17. Review status: criteria provided, single submitter. Criteria: LabCorp Variant Classification Summary - May 2015. Collection method: clinical testing. Allele origin: germline.
Comment: Variant summary: TSHR c.184A>G (p.Thr62Ala) results in a non-conservative amino acid change in the encoded protein sequence. Three of five in-silico tools predict a damaging effect of the variant on protein function. The variant was absent in 250456 control chromosomes. c.184A>G has been reported in the literature in a homozygous and heterozygous siblings affected with congenital hypothyroidism (e.g., Acar_2022). These data indicate that the variant may be associated with disease. To our knowledge, no experimental evidence demonstrating an impact on protein function has been reported. The following publication has been ascertained in the context of this evaluation (PMID: 34780050). No submitters have cited clinical-significance assessments for this variant to ClinVar. Based on the evidence outlined above, the variant was classified as VUS-possibly pathogenic.

Literature cited by the submitters: PubMed 34780050.